The following is an entry in ClinVar:

NM_003079.5(SMARCE1):c.543T>G (p.Asp181Glu)

Gene: SMARCE1 (SWI/SNF related BAF chromatin remodeling complex subunit E1; minus strand). Cytogenetic location: 17q21.2.
Variant type: single nucleotide variant.
Coding change: c.543T>G on transcript NM_003079.5 (MANE Select); coding-DNA position 543, T replaced by G.
Protein change: p.Asp181Glu; replaces aspartic acid 181 with glutamic acid.
Molecular consequence: missense variant.
Genome position (GRCh38, 1-based): chr17:40,632,366, A>C on the plus strand (T>G on the coding strand, the complement: SMARCE1 is on the minus strand). VCF-style: chr17-40632366-A-C. GRCh37 (hg19) VCF-style: chr17-38788618-A-C.
Other names: short protein forms D181E.
Identifiers: ClinVar variation 4732122 (VCV004732122.1).

ClinVar aggregate classification (germline): Uncertain significance (1 of 4 stars; one submission).

Conditions:
Familial meningioma. Also called: Meningioma, familial, susceptibility to. Identifiers: Orphanet 263662, MedGen C3551915, MONDO:0011789, OMIM 607174.

Submission:

Labcorp Genetics (formerly Invitae), Labcorp
Classification: Uncertain significance for Familial meningioma. Last evaluated: 2025-11-27. Review status: criteria provided, single submitter. Criteria: Invitae Variant Classification Sherloc (09022015). Collection method: clinical testing. Allele origin: germline.
Comment: This sequence change replaces aspartic acid, which is acidic and polar, with glutamic acid, which is acidic and polar, at codon 181 of the SMARCE1 protein (p.Asp181Glu). This variant is not present in population databases (gnomAD no frequency). This variant has not been reported in the literature in individuals affected with SMARCE1-related conditions. An algorithm developed to predict the effect of missense changes on protein structure and function (PolyPhen-2) suggests that this variant is likely to be disruptive. Algorithms developed to predict the effect of sequence changes on RNA splicing suggest that this variant may disrupt the consensus splice site. In summary, the available evidence is currently insufficient to determine the role of this variant in disease. Therefore, it has been classified as a Variant of Uncertain Significance.